The following is an entry in ClinVar:

ClinVar aggregate classification (germline): Uncertain significance (1 of 4 stars; one submission).

Allele frequency attached by ClinVar (database versions not stated): gnomAD exomes below 0.00001; ExAC 0.00002.

Submission:

Labcorp Genetics (formerly Invitae), Labcorp
Classification: Uncertain significance. Last evaluated: 2022-04-16. Review status: criteria provided, single submitter. Criteria: Invitae Variant Classification Sherloc (09022015). Collection method: clinical testing. Allele origin: germline.
Comment: This sequence change replaces isoleucine, which is neutral and non-polar, with phenylalanine, which is neutral and non-polar, at codon 106 of the FAT4 protein (p.Ile106Phe). This variant is present in population databases (rs746331785, gnomAD 0.006%). This variant has not been reported in the literature in individuals affected with FAT4-related conditions. Advanced modeling of protein sequence and biophysical properties (such as structural, functional, and spatial information, amino acid conservation, physicochemical variation, residue mobility, and thermodynamic stability) performed at Invitae indicates that this missense variant is not expected to disrupt FAT4 protein function. In summary, the available evidence is currently insufficient to determine the role of this variant in disease. Therefore, it has been classified as a Variant of Uncertain Significance.

NM_001291303.3(FAT4):c.316A>T (p.Ile106Phe)

Gene: FAT4 (FAT atypical cadherin 4; plus strand). Cytogenetic location: 4q28.1.
Variant type: single nucleotide variant.
Coding change: c.316A>T on transcript NM_001291303.3 (MANE Select); coding-DNA position 316, A replaced by T.
Protein change: p.Ile106Phe; replaces isoleucine 106 with phenylalanine.
Molecular consequence: missense variant.
Genome position (GRCh38, 1-based): chr4:125,316,727, A>T. VCF-style: chr4-125316727-A-T. GRCh37 (hg19) VCF-style: chr4-126237882-A-T.
Other names: c.316A>T, p.Ile106Phe (NM_001291285.3, NM_024582.6); short protein forms I106F.
Identifiers: ClinVar variation 1480210 (VCV001480210.5), dbSNP rs746331785, ClinGen allele CA3071786.